The following is an entry in ClinVar:

ClinVar aggregate classification (germline): Benign/Likely benign. Review status: criteria provided, multiple submitters, no conflicts (2 of 4 stars). 7 submissions from 7 submitters: Benign (3); Likely benign (3). 1 of the submissions does not count toward it. Last evaluated 2026-02-03.

Conditions:
Hereditary cancer-predisposing syndrome. Also called: Neoplastic Syndromes, Hereditary; Hereditary Cancer Syndrome; Tumor predisposition; Hereditary neoplastic syndrome. Identifiers: Orphanet 140162, MedGen C0027672, MeSH D009386, MONDO:0015356.
Lynch syndrome 5 (LYNCH5). Also called: Colorectal cancer, hereditary nonpolyposis, type 5; Hereditary non-polyposis colorectal cancer, type 5. Identifiers: Orphanet 144, MedGen C1833477, MONDO:0013710, OMIM 614350. Disease mechanism: loss of function.
Hereditary nonpolyposis colorectal neoplasms. Identifiers: MedGen C0009405, MeSH D003123.

Allele frequency attached by ClinVar (database versions not stated): TOPMed 0.00004.
gnomAD v4.1: 124 of 1,614,070 alleles (0.0077%); highest among the groups gnomAD compares: Non-Finnish European, 0.0097%; no homozygotes.

Submissions (7):

Labcorp Genetics (formerly Invitae), Labcorp
Classification: Likely benign for Hereditary nonpolyposis colorectal neoplasms. Last evaluated: 2026-02-03. Review status: criteria provided, single submitter. Criteria: Invitae Variant Classification Sherloc (09022015). Collection method: clinical testing. Allele origin: germline.

Myriad Genetics, Inc.
Classification: Benign for Lynch syndrome 5. Last evaluated: 2025-01-03. Review status: criteria provided, single submitter. Criteria: Myriad Autosomal Dominant, Autosomal Recessive and X-Linked Classification Criteria (2023). Collection method: clinical testing. Allele origin: unknown.
Comment: This variant is considered benign. This variant is intronic and is not expected to impact mRNA splicing. This variant is strongly associated with less severe personal and family histories of cancer, typical for individuals without pathogenic variants in this gene [PMID: 27363726].

Blueprint Genetics
Classification: Likely benign. Last evaluated: 2024-02-21. Review status: criteria provided, single submitter. Criteria: ACMG Guidelines, 2015. Collection method: clinical testing. Allele origin: germline.

Women's Health and Genetics/Laboratory Corporation of America, LabCorp
Classification: Benign. Last evaluated: 2020-02-10. Review status: criteria provided, single submitter. Criteria: LabCorp Variant Classification Summary - May 2015. Collection method: clinical testing. Allele origin: germline.
Comment: Variant summary: MSH6 c.3173-18T>C alters a non-conserved nucleotide located close to a canonical splice site and therefore could affect mRNA splicing, leading to a significantly altered protein sequence. 4/4 computational tools predict no significant impact on normal splicing. However, these predictions have yet to be confirmed by functional studies. The variant allele was found at a frequency of 9.5e-05 in 251338 control chromosomes, predominantly at a frequency of 0.00019 within the Non-Finnish European subpopulation in the gnomAD database. The observed variant frequency within Non-Finnish European control individuals in the gnomAD database is approximately 1.34 fold of the estimated maximal expected allele frequency for a pathogenic variant in MSH6 causing Hereditary Non-Polyposis Colon Cancer phenotype (0.00014), strongly suggesting that the variant is a benign polymorphism found primarily in populations of Non-Finnish European origin. To our knowledge, no occurrence of c.3173-18T>C in individuals affected with Hereditary Non-Polyposis Colon Cancer and no experimental evidence demonstrating its impact on protein function have been reported. Two clinical diagnostic laboratories have submitted clinical-significance assessments for this variant to ClinVar after 2014 without evidence for independent evaluation. All laboratories classified the variant as likely benign. Based on the evidence outlined above, the variant was classified as benign.

Color Diagnostics, LLC DBA Color Health
Classification: Likely benign for Hereditary cancer-predisposing syndrome. Last evaluated: 2016-02-22. Review status: criteria provided, single submitter. Criteria: ACMG Guidelines, 2015. Collection method: clinical testing. Allele origin: germline.

GeneDx
Classification: Benign. Last evaluated: 2015-03-03. Review status: criteria provided, single submitter. Criteria: GeneDx Variant Classification Process June 2021. Collection method: clinical testing. Allele origin: germline. Affected: yes.

Counsyl
Classification: Likely benign for Lynch syndrome 5. Last evaluated: 2018-05-25. Review status: no assertion criteria provided. Collection method: clinical testing. Allele origin: unknown. Not counted in ClinVar's aggregate classification.

Literature cited by the submitters: PubMed 27363726 (cited by Myriad Genetics, Inc.).

NM_000179.3(MSH6):c.3173-18T>C

Gene: MSH6 (mutS homolog 6; plus strand). Cytogenetic location: 2p16.3.
Variant type: single nucleotide variant.
Coding change: c.3173-18T>C on transcript NM_000179.3 (MANE Select); 18 bases into the intron before coding-DNA position 3173, T replaced by C.
Molecular consequence: intron variant.
Genome position (GRCh38, 1-based): chr2:47,803,402, T>C. VCF-style: chr2-47803402-T-C. GRCh37 (hg19) VCF-style: chr2-48030541-T-C.
Other names: c.2267-18T>C (NM_001281493.2, NM_001281494.2); c.2783-18T>C (NM_001281492.2).
Identifiers: ClinVar variation 89346 (VCV000089346.18), dbSNP rs189672273, ClinGen allele CA011776.